The following is an entry in ClinVar:

ClinVar aggregate classification (germline): Uncertain significance (1 of 4 stars; one submission).

Submission:

Labcorp Genetics (formerly Invitae), Labcorp
Classification: Uncertain significance. Last evaluated: 2022-06-27. Review status: criteria provided, single submitter. Criteria: Invitae Variant Classification Sherloc (09022015). Collection method: clinical testing. Allele origin: germline.
Comment: In summary, the available evidence is currently insufficient to determine the role of this variant in disease. Therefore, it has been classified as a Variant of Uncertain Significance. This variant has not been reported in the literature in individuals affected with PLEKHM2-related conditions. This variant is not present in population databases (gnomAD no frequency). This sequence change creates a premature translational stop signal (p.Arg249Profs*36) in the PLEKHM2 gene. It is expected to result in an absent or disrupted protein product. However, the current clinical and genetic evidence is not sufficient to establish whether loss-of-function variants in PLEKHM2 cause disease.

NM_015164.4(PLEKHM2):c.745dup (p.Arg249fs)

Gene: PLEKHM2 (pleckstrin homology and RUN domain containing M2; plus strand). Cytogenetic location: 1p36.21.
Variant type: Duplication.
Coding change: c.745dup on transcript NM_015164.4 (MANE Select); coding-DNA position 745, one base duplicated (C; older notation c.745dupC).
Protein change: p.Arg249fs; shifts the reading frame from arginine 249.
Molecular consequence: frameshift variant.
Genome position (GRCh38, 1-based): chr1:15,725,349, C duplicated; the last of 4 consecutive C bases (chr1:15,725,346-15,725,349); duplicating any one gives the same sequence. VCF-style (leftmost placement, unchanged base first): chr1-15725345-T-TC. GRCh37 (hg19) VCF-style: chr1-16051840-T-TC.
Other names: short protein forms R249fs.
Identifiers: ClinVar variation 1387713 (VCV001387713.6), dbSNP rs2148368648, ClinGen allele CA2573130698.